The following is an entry in ClinVar:

ClinVar aggregate classification (germline): Uncertain significance (1 of 4 stars; one submission).

Conditions:
Cardiovascular phenotype. Identifiers: MedGen CN230736.

gnomAD v4.1: 1 of 1,612,330 alleles (0.000062%); highest among the groups gnomAD compares: African/African-American, 0.0013%; no homozygotes.

Submission:

Ambry Genetics
Classification: Uncertain significance for Cardiovascular phenotype. Last evaluated: 2023-10-21. Review status: criteria provided, single submitter. Criteria: Ambry Variant Classification Scheme 2023. Collection method: clinical testing. Allele origin: germline.
Comment: The p.T156I variant (also known as c.467C>T) is located in coding exon 4 of the PRKAG2 gene. The threonine at codon 156 is replaced by isoleucine, an amino acid with similar properties. This change occurs in the first base pair of coding exon 4. This amino acid position is conserved. In addition, the in silico prediction for this alteration is inconclusive. Since supporting evidence is limited at this time, the clinical significance of this alteration remains unclear.

NM_016203.4(PRKAG2):c.467C>T (p.Thr156Ile)

Gene: PRKAG2 (protein kinase AMP-activated non-catalytic subunit gamma 2; minus strand). Cytogenetic location: 7q36.1.
Variant type: single nucleotide variant.
Coding change: c.467C>T on transcript NM_016203.4 (MANE Select); coding-DNA position 467, C replaced by T.
Protein change: p.Thr156Ile; replaces threonine 156 with isoleucine.
Molecular consequence: missense variant. On other transcripts: intron variant (5).
Genome position (GRCh38, 1-based): chr7:151,675,637, G>A on the plus strand (C>T on the coding strand, the complement: PRKAG2 is on the minus strand). VCF-style: chr7-151675637-G-A. GRCh37 (hg19) VCF-style: chr7-151372723-G-A.
Other names: c.335C>T, p.Thr112Ile (NM_001040633.2, NM_001407024.1, NM_001407026.1 and 1 more transcripts); c.95C>T, p.Ala32Val (NM_001304527.2, NM_001363698.2, NM_001407028.1 and 1 more transcripts); c.467C>T, p.Thr156Ile (NM_001407021.1, NM_001407022.1, NM_001407023.1); c.149C>T, p.Thr50Ile (NM_001407032.1); c.467-80186C>T (NM_001407031.1); c.467-80183C>T (NM_001407030.1); c.361-43499C>T (NM_001407033.1); c.94+60263C>T (NM_001407037.1); and 1 more; short protein forms A32V, T112I, T156I, T50I.
Identifiers: ClinVar variation 3226900 (VCV003226900.1), dbSNP rs982598905, ClinGen allele CA370188825.